The following is an entry in ClinVar:

NM_001378454.1(ALMS1):c.686T>C (p.Leu229Pro)

Gene: ALMS1 (ALMS1 centrosome and basal body associated protein; plus strand). Cytogenetic location: 2p13.1.
Variant type: single nucleotide variant.
Coding change: c.686T>C on transcript NM_001378454.1 (MANE Select); coding-DNA position 686, T replaced by C.
Protein change: p.Leu229Pro; replaces leucine 229 with proline.
Molecular consequence: missense variant.
Genome position (GRCh38, 1-based): chr2:73,422,896, T>C. VCF-style: chr2-73422896-T-C. GRCh37 (hg19) VCF-style: chr2-73650024-T-C.
Other names: c.689T>C, p.Leu230Pro (NM_015120.4); short protein forms L229P, L230P.
Identifiers: ClinVar variation 2194129 (VCV002194129.4), dbSNP rs957824309, ClinGen allele CA50366186.
Genomic context (GRCh38, chr2:73,422,896, plus strand): 5'-TTAATATTTGAAACTTTACAGTCATACAAGATAGCTTTGCTTCTCCTGATTTGCCTTTGC[T>C]GACCTGTTTGACACAAGACCAAGAATTTGCGCCTGATTCTTTATTTCATCAAAGTGAACT-3'
Protein context (NP_001365383.1, residues 219-239): DSFASPDLPL[Leu229Pro]TCLTQDQEFA

ClinVar aggregate classification (germline): Uncertain significance. Review status: criteria provided, multiple submitters, no conflicts (2 of 4 stars). 4 submissions from 4 submitters: Uncertain significance (4). Last evaluated 2025-05-08.

Conditions:
Alstrom syndrome (ALMS). Identifiers: Orphanet 64, MedGen C0268425, MONDO:0008763, OMIM 203800.
Cardiovascular phenotype. Identifiers: MedGen CN230736.

Allele frequency attached by ClinVar (database versions not stated): gnomAD exomes below 0.00001; TOPMed 0.00002; gnomAD 0.00004.
gnomAD v4.1: 9 of 1,613,716 alleles (0.00056%); highest among the groups gnomAD compares: Middle Eastern, 0.016%; no homozygotes.

Submissions (4):

Ambry Genetics
Classification: Uncertain significance for Cardiovascular phenotype. Last evaluated: 2025-05-08. Review status: criteria provided, single submitter. Criteria: Ambry Variant Classification Scheme 2023. Collection method: clinical testing. Allele origin: germline.
Comment: The p.L230P variant (also known as c.689T>C), located in coding exon 4 of the ALMS1 gene, results from a T to C substitution at nucleotide position 689. The leucine at codon 230 is replaced by proline, an amino acid with similar properties. This amino acid position is highly conserved in available vertebrate species. In addition, this alteration is predicted to be deleterious by in silico analysis. Based on the available evidence, the clinical significance of this variant remains unclear.

Blueprint Genetics
Classification: Uncertain significance. Last evaluated: 2023-11-03. Review status: criteria provided, single submitter. Criteria: ACMG Guidelines, 2015. Collection method: clinical testing. Allele origin: germline.

GeneDx
Classification: Uncertain significance. Last evaluated: 2022-12-01. Review status: criteria provided, single submitter. Criteria: GeneDx Variant Classification Process June 2021. Collection method: clinical testing. Allele origin: germline. Affected: yes.
Comment: Not observed at significant frequency in large population cohorts (gnomAD); In silico analysis supports that this missense variant has a deleterious effect on protein structure/function; Has not been previously published as pathogenic or benign to our knowledge

Labcorp Genetics (formerly Invitae), Labcorp
Classification: Uncertain significance for Alstrom syndrome. Last evaluated: 2022-05-31. Review status: criteria provided, single submitter. Criteria: Invitae Variant Classification Sherloc (09022015). Collection method: clinical testing. Allele origin: germline.
Comment: This sequence change replaces leucine, which is neutral and non-polar, with proline, which is neutral and non-polar, at codon 230 of the ALMS1 protein (p.Leu230Pro). This variant is present in population databases (no rsID available, gnomAD 0.003%). This variant has not been reported in the literature in individuals affected with ALMS1-related conditions. Experimental studies and prediction algorithms are not available or were not evaluated, and the functional significance of this variant is currently unknown. In summary, the available evidence is currently insufficient to determine the role of this variant in disease. Therefore, it has been classified as a Variant of Uncertain Significance.